The following is an entry in ClinVar:

ClinVar aggregate classification (germline): Uncertain significance (0 of 4 stars; one submission).

Conditions:
COL4A2-related disorder. Also called: COL4A2-related disorders; COL4A2-related condition.

gnomAD v4.1: 7 of 1,611,602 alleles (0.00043%); highest among the groups gnomAD compares: Non-Finnish European, 0.00059%; no homozygotes.

Submission:

PreventionGenetics, part of Exact Sciences
Classification: Uncertain significance for COL4A2-related condition. Last evaluated: 2024-09-06. Review status: no assertion criteria provided. Collection method: clinical testing. Allele origin: germline.
Comment: The COL4A2 c.1406G>A variant is predicted to result in the amino acid substitution p.Gly469Glu. To our knowledge, this variant has not been reported in the literature. This variant is reported in 0.00089% of alleles in individuals of European (Non-Finnish) descent in gnomAD. This variant results in a glycine substitution in the collagen triple helical region of the COL4A2 protein (Alamut Visual Plus v1.6.1) and glycine substitution in this region is frequently pathogenic (Fidler et al. 2018. PubMed ID: 29632050). This genotype-phenotype correlation is predicted for COL4A2, generally with early onset phenotypes (for details, see OMIM #120090). Although we suspect that this variant could be pathogenic, at this time, the clinical significance of this variant is uncertain due to the absence of conclusive functional and genetic evidence

NM_001846.4(COL4A2):c.1406G>A (p.Gly469Glu)

Genes: COL4A2 (collagen type IV alpha 2 chain; plus strand), COL4A2-AS2 (COL4A2 antisense RNA 2; minus strand). Cytogenetic location: 13q34.
Variant type: single nucleotide variant.
Coding change: c.1406G>A on transcript NM_001846.4 (MANE Select); coding-DNA position 1406, G replaced by A.
Protein change: p.Gly469Glu; replaces glycine 469 with glutamic acid.
Molecular consequence: missense variant.
Genome position (GRCh38, 1-based): chr13:110,457,409, G>A. VCF-style: chr13-110457409-G-A. GRCh37 (hg19) VCF-style: chr13-111109756-G-A.
Other names: short protein forms G469E.
Identifiers: ClinVar variation 3355566 (VCV003355566.1).